The following is an entry in ClinVar:

NM_198253.3(TERT):c.889C>T (p.Pro297Ser)

Gene: TERT (telomerase reverse transcriptase; minus strand). Cytogenetic location: 5p15.33.
Variant type: single nucleotide variant.
Coding change: c.889C>T on transcript NM_198253.3 (MANE Select); coding-DNA position 889, C replaced by T.
Protein change: p.Pro297Ser; replaces proline 297 with serine.
Molecular consequence: missense variant. On other transcripts: non-coding transcript variant (2).
Genome position (GRCh38, 1-based): chr5:1,293,997, G>A on the plus strand (C>T on the coding strand, the complement: TERT is on the minus strand). VCF-style: chr5-1293997-G-A. GRCh37 (hg19) VCF-style: chr5-1294112-G-A.
Other names: c.889C>T (NM_198253.2); c.889C>T, p.Pro297Ser (NM_001193376.3); short protein forms P297S.
Identifiers: ClinVar variation 1037986 (VCV001037986.9), dbSNP rs1751190674, ClinGen allele CA359056287.

ClinVar aggregate classification (germline): Uncertain significance. Review status: criteria provided, multiple submitters, no conflicts (2 of 4 stars). 2 submissions from 2 submitters: Uncertain significance (2). Last evaluated 2023-06-30.

Conditions:
Idiopathic Pulmonary Fibrosis. Also called: Idiopathic fibrosing alveolitis, chronic form; idiopathic fibrosing alveolitis. Identifiers: Orphanet 2032, MedGen C1800706, MeSH D054990, MONDO:0800504.
Dyskeratosis congenita, autosomal dominant 2. Identifiers: MedGen C3151443, MONDO:0013521, OMIM 613989.
Dyskeratosis congenita. Identifiers: Orphanet 1775, MedGen C0265965, MONDO:0015780.

Allele frequency attached by ClinVar (database versions not stated): TOPMed below 0.00001; gnomAD exomes 0.00001.
gnomAD v4.1: 3 of 1,577,454 alleles (0.00019%); highest among the groups gnomAD compares: Non-Finnish European, 0.00026%; no homozygotes.

Submissions (2):

Labcorp Genetics (formerly Invitae), Labcorp
Classification: Uncertain significance for Dyskeratosis congenita, autosomal dominant 2; Idiopathic Pulmonary Fibrosis. Last evaluated: 2023-06-30. Review status: criteria provided, single submitter. Criteria: Invitae Variant Classification Sherloc (09022015). Collection method: clinical testing. Allele origin: germline.
Comment: In summary, the available evidence is currently insufficient to determine the role of this variant in disease. Therefore, it has been classified as a Variant of Uncertain Significance. Algorithms developed to predict the effect of missense changes on protein structure and function output the following: SIFT: "Not Available"; PolyPhen-2: "Benign"; Align-GVGD: "Not Available". The serine amino acid residue is found in multiple mammalian species, which suggests that this missense change does not adversely affect protein function. ClinVar contains an entry for this variant (Variation ID: 1037986). This variant has not been reported in the literature in individuals affected with TERT-related conditions. This variant is not present in population databases (gnomAD no frequency). This sequence change replaces proline, which is neutral and non-polar, with serine, which is neutral and polar, at codon 297 of the TERT protein (p.Pro297Ser).

Ambry Genetics
Classification: Uncertain significance for Dyskeratosis congenita. Last evaluated: 2022-12-05. Review status: criteria provided, single submitter. Criteria: Ambry Variant Classification Scheme 2023. Collection method: clinical testing. Allele origin: germline.
Comment: The p.P297S variant (also known as c.889C>T), located in coding exon 2 of the TERT gene, results from a C to T substitution at nucleotide position 889. The proline at codon 297 is replaced by serine, an amino acid with similar properties. This amino acid position is conserved. In addition, the in silico prediction for this alteration is inconclusive. Since supporting evidence is limited at this time, the clinical significance of this alteration remains unclear.